The following is an entry in ClinVar:

ClinVar aggregate classification (germline): Uncertain significance (1 of 4 stars; one submission).

Conditions:
Idiopathic generalized epilepsy. Also called: EIG; Generalised epilepsy. Identifiers: MedGen C0270850, MONDO:0005579, OMIM 600669.
Hyperaldosteronism, familial, type IV (HALD4). Also called: FH IV; ALDOSTERONISM, PRIMARY, AND HYPERTENSION. Identifiers: Orphanet 642671, MedGen C4310756, MONDO:0014875, OMIM 617027.

Submission:

Labcorp Genetics (formerly Invitae), Labcorp
Classification: Uncertain significance for Idiopathic generalized epilepsy; Hyperaldosteronism, familial, type IV. Last evaluated: 2022-05-18. Review status: criteria provided, single submitter. Criteria: Invitae Variant Classification Sherloc (09022015). Collection method: clinical testing. Allele origin: germline.
Comment: This sequence change replaces proline, which is neutral and non-polar, with glutamine, which is neutral and polar, at codon 752 of the CACNA1H protein (p.Pro752Gln). This variant is not present in population databases (gnomAD no frequency). This variant has not been reported in the literature in individuals affected with CACNA1H-related conditions. Advanced modeling of protein sequence and biophysical properties (such as structural, functional, and spatial information, amino acid conservation, physicochemical variation, residue mobility, and thermodynamic stability) performed at Invitae indicates that this missense variant is not expected to disrupt CACNA1H protein function. In summary, the available evidence is currently insufficient to determine the role of this variant in disease. Therefore, it has been classified as a Variant of Uncertain Significance.

NM_021098.3(CACNA1H):c.2255C>A (p.Pro752Gln)

Gene: CACNA1H (calcium voltage-gated channel subunit alpha1 H; plus strand). Cytogenetic location: 16p13.3.
Variant type: single nucleotide variant.
Coding change: c.2255C>A on transcript NM_021098.3 (MANE Select); coding-DNA position 2255, C replaced by A.
Protein change: p.Pro752Gln; replaces proline 752 with glutamine.
Molecular consequence: missense variant.
Genome position (GRCh38, 1-based): chr16:1,204,262, C>A. VCF-style: chr16-1204262-C-A. GRCh37 (hg19) VCF-style: chr16-1254262-C-A.
Other names: c.2255C>A, p.Pro752Gln (NM_001005407.2); short protein forms P752Q.
Identifiers: ClinVar variation 1996203 (VCV001996203.4), dbSNP rs761877111, ClinGen allele CA394166057.